The following is an entry in ClinVar:

ClinVar aggregate classification (germline): Uncertain significance (1 of 4 stars; one submission).

Submission:

Labcorp Genetics (formerly Invitae), Labcorp
Classification: Uncertain significance. Last evaluated: 2026-01-27. Review status: criteria provided, single submitter. Criteria: Invitae Variant Classification Sherloc (09022015). Collection method: clinical testing. Allele origin: germline.
Comment: This sequence change replaces serine, which is neutral and polar, with asparagine, which is neutral and polar, at codon 930 of the EIF2AK3 protein (p.Ser930Asn). This variant is not present in population databases (gnomAD no frequency). This variant has not been reported in the literature in individuals affected with EIF2AK3-related conditions. An algorithm developed to predict the effect of missense changes on protein structure and function (PolyPhen-2) suggests that this variant is likely to be tolerated. In summary, the available evidence is currently insufficient to determine the role of this variant in disease. Therefore, it has been classified as a Variant of Uncertain Significance.

NM_004836.7(EIF2AK3):c.2789G>A (p.Ser930Asn)

Genes: EIF2AK3 (eukaryotic translation initiation factor 2 alpha kinase 3; minus strand), EIF2AK3-AS1 (EIF2AK3 antisense RNA 1; plus strand). Cytogenetic location: 2p11.2.
Variant type: single nucleotide variant.
Coding change: c.2789G>A on transcript NM_004836.7 (MANE Select); coding-DNA position 2789, G replaced by A.
Protein change: p.Ser930Asn; replaces serine 930 with asparagine.
Molecular consequence: missense variant. On other transcripts: non-coding transcript variant (1).
Genome position (GRCh38, 1-based): chr2:88,574,694, C>T on the plus strand (G>A on the coding strand, the complement: EIF2AK3 is on the minus strand). VCF-style: chr2-88574694-C-T. GRCh37 (hg19) VCF-style: chr2-88874212-C-T.
Other names: c.2336G>A, p.Ser779Asn (NM_001313915.2); short protein forms S930N, S779N.
Identifiers: ClinVar variation 4773185 (VCV004773185.1).